The following is an entry in ClinVar:

ClinVar aggregate classification (germline): Uncertain significance (1 of 4 stars; one submission).

Conditions:
Imerslund-Grasbeck syndrome. Also called: ENTEROCYTE COBALAMIN MALABSORPTION; ENTEROCYTE INTRINSIC FACTOR RECEPTOR, DEFECT OF; PERNICIOUS ANEMIA, JUVENILE, DUE TO SELECTIVE INTESTINAL MALABSORPTION OF VITAMIN B12, WITH PROTEINURIA; Imerslund-Gräsbeck syndrome; Megaloblastic anemia due to inborn errors of metabolism. Identifiers: Orphanet 35858, MedGen C4551825, MONDO:0009853.

Allele frequency attached by ClinVar (database versions not stated): ExAC 0.00002; gnomAD 0.00002.
gnomAD v4.1: 31 of 1,613,708 alleles (0.0019%); highest among the groups gnomAD compares: East Asian, 0.016%; no homozygotes.

Submission:

Labcorp Genetics (formerly Invitae), Labcorp
Classification: Uncertain significance for Imerslund-Grasbeck syndrome. Last evaluated: 2022-11-03. Review status: criteria provided, single submitter. Criteria: Invitae Variant Classification Sherloc (09022015). Collection method: clinical testing. Allele origin: germline.
Comment: In summary, the available evidence is currently insufficient to determine the role of this variant in disease. Therefore, it has been classified as a Variant of Uncertain Significance. Advanced modeling of protein sequence and biophysical properties (such as structural, functional, and spatial information, amino acid conservation, physicochemical variation, residue mobility, and thermodynamic stability) performed at Invitae indicates that this missense variant is not expected to disrupt CUBN protein function. This variant has not been reported in the literature in individuals affected with CUBN-related conditions. This variant is present in population databases (rs761224049, gnomAD 0.02%). This sequence change replaces asparagine, which is neutral and polar, with serine, which is neutral and polar, at codon 434 of the CUBN protein (p.Asn434Ser).

NM_001081.4(CUBN):c.1301A>G (p.Asn434Ser)

Genes: CUBN (cubilin; minus strand), LOC129390143 (MPRA-validated peak884 silencer; plus strand). Cytogenetic location: 10p13.
Variant type: single nucleotide variant.
Coding change: c.1301A>G on transcript NM_001081.4 (MANE Select); coding-DNA position 1301, A replaced by G.
Protein change: p.Asn434Ser; replaces asparagine 434 with serine.
Molecular consequence: missense variant.
Genome position (GRCh38, 1-based): chr10:17,104,535, T>C on the plus strand (A>G on the coding strand, the complement: CUBN is on the minus strand). VCF-style: chr10-17104535-T-C. GRCh37 (hg19) VCF-style: chr10-17146534-T-C.
Other names: short protein forms N434S.
Identifiers: ClinVar variation 2193359 (VCV002193359.4), dbSNP rs761224049, ClinGen allele CA5425316.